The following is an entry in ClinVar:

NM_002734.5(PRKAR1A):c.514G>C (p.Asp172His)

Gene: PRKAR1A (protein kinase cAMP-dependent type I regulatory subunit alpha; plus strand). Cytogenetic location: 17q24.2.
Variant type: single nucleotide variant.
Coding change: c.514G>C on transcript NM_002734.5 (MANE Select); coding-DNA position 514, G replaced by C.
Protein change: p.Asp172His; replaces aspartic acid 172 with histidine.
Molecular consequence: missense variant.
Genome position (GRCh38, 1-based): chr17:68,524,923, G>C. VCF-style: chr17-68524923-G-C. GRCh37 (hg19) VCF-style: chr17-66521064-G-C.
Other names: c.514G>C, p.Asp172His (NM_001276289.2, NM_001276290.1, NM_001278433.2 and 4 more transcripts); short protein forms D172H.
Identifiers: ClinVar variation 3309968 (VCV003309968.2).
Genomic context (GRCh38, chr17:68,524,923, plus strand): 5'-TTCTTTCTTTAATTTGGAATATGCTTCTAACTTTTTTACCCTCTTTTAGGTGATGAAGGG[G>C]ATAACTTCTATGTGATTGATCAAGGAGAGACGGATGTAAGATTTACCAATATCAAAAATA-3'
Protein context (NP_002725.1, residues 162-182): ETVIQQGDEG[Asp172His]NFYVIDQGET

ClinVar aggregate classification (germline): Uncertain significance. Review status: criteria provided, multiple submitters, no conflicts (2 of 4 stars). 2 submissions from 2 submitters: Uncertain significance (2). Last evaluated 2024-05-20.

Conditions:
Hereditary cancer-predisposing syndrome. Also called: Tumor predisposition; Hereditary Cancer Syndrome; Hereditary neoplastic syndrome; Neoplastic Syndromes, Hereditary. Identifiers: Orphanet 140162, MedGen C0027672, MeSH D009386, MONDO:0015356.

gnomAD v4.1: 2 of 1,609,170 alleles (0.00012%); highest among the groups gnomAD compares: Non-Finnish European, 0.00017%; no homozygotes.

Submissions (2):

Ambry Genetics
Classification: Uncertain significance for Hereditary cancer-predisposing syndrome. Last evaluated: 2024-05-20. Review status: criteria provided, single submitter. Criteria: Ambry Variant Classification Scheme 2023. Collection method: clinical testing. Allele origin: germline.
Comment: The p.D172H variant (also known as c.514G>C), located in coding exon 5 of the PRKAR1A gene, results from a G to C substitution at nucleotide position 514. The aspartic acid at codon 172 is replaced by histidine, an amino acid with similar properties. This amino acid position is conserved. In addition, this alteration is predicted to be deleterious by in silico analysis. Based on the available evidence, the clinical significance of this variant remains unclear.

Blueprint Genetics
Classification: Uncertain significance. Last evaluated: 2022-07-20. Review status: criteria provided, single submitter. Criteria: ACMG Guidelines, 2015. Collection method: clinical testing. Allele origin: germline.